The following is an entry in ClinVar:

NM_001081.4(CUBN):c.7837A>C (p.Ile2613Leu)

Gene: CUBN (cubilin; minus strand). Cytogenetic location: 10p13.
Variant type: single nucleotide variant.
Coding change: c.7837A>C on transcript NM_001081.4 (MANE Select); coding-DNA position 7837, A replaced by C.
Protein change: p.Ile2613Leu; replaces isoleucine 2613 with leucine.
Molecular consequence: missense variant.
Genome position (GRCh38, 1-based): chr10:16,906,278, T>G on the plus strand (A>C on the coding strand, the complement: CUBN is on the minus strand). VCF-style: chr10-16906278-T-G. GRCh37 (hg19) VCF-style: chr10-16948277-T-G.
Other names: p.Ile2613Leu; short protein forms I2613L.
Identifiers: ClinVar variation 878998 (VCV000878998.16), dbSNP rs144626884, ClinGen allele CA5423230.

ClinVar aggregate classification (germline): Conflicting classifications of pathogenicity. Review status: criteria provided, conflicting classifications (1 of 4 stars). 6 submissions from 6 submitters: Uncertain significance (4); Likely benign (1). 1 of the submissions does not count toward it. Last evaluated 2025-12-29.

Conditions:
CUBN-related disorder. Also called: CUBN-related condition.
Imerslund-Grasbeck syndrome. Also called: ENTEROCYTE COBALAMIN MALABSORPTION; ENTEROCYTE INTRINSIC FACTOR RECEPTOR, DEFECT OF; Imerslund-Gräsbeck syndrome; Megaloblastic anemia due to inborn errors of metabolism; PERNICIOUS ANEMIA, JUVENILE, DUE TO SELECTIVE INTESTINAL MALABSORPTION OF VITAMIN B12, WITH PROTEINURIA. Identifiers: Orphanet 35858, MedGen C4551825, MONDO:0009853.
Imerslund-Grasbeck syndrome type 1 (IGS1). Also called: Megaloblastic anemia 1, Finnish type; Imerslund-Gräsbeck syndrome 1; MEGALOBLASTIC ANEMIA, 1. Identifiers: MedGen C4016819, MONDO:0100156, OMIM 261100.

Allele frequency attached by ClinVar (database versions not stated): ESP Exome Variant Server 0.00031; ExAC 0.00021; gnomAD exomes 0.00016 and 0.00031; 1000 Genomes Project 0.00040; 1000 Genomes Project 30x 0.00047.
gnomAD v4.1: 283 of 1,614,092 alleles (0.018%); highest among the groups gnomAD compares: Admixed American, 0.15%; no homozygotes.

Submissions (6):

Labcorp Genetics (formerly Invitae), Labcorp
Classification: Likely benign for Imerslund-Grasbeck syndrome. Last evaluated: 2025-12-29. Review status: criteria provided, single submitter. Criteria: Invitae Variant Classification Sherloc (09022015). Collection method: clinical testing. Allele origin: germline.

GeneDx
Classification: Uncertain significance. Last evaluated: 2024-04-22. Review status: criteria provided, single submitter. Criteria: GeneDx Variant Classification Process June 2021. Collection method: clinical testing. Allele origin: germline. Affected: yes.
Comment: In silico analysis indicates that this missense variant does not alter protein structure/function; Has not been previously published as pathogenic or benign in association with a CUBN-related disorder to our knowledge; This variant is associated with the following publications: (PMID: 30900415)

Mayo Clinic Laboratories, Mayo Clinic
Classification: Uncertain significance. Last evaluated: 2022-10-06. Review status: criteria provided, single submitter. Criteria: ACMG Guidelines, 2015. Collection method: clinical testing. Allele origin: germline. Observed: 1 variant allele.
Comment: BP4

Baylor Genetics
Classification: Uncertain significance for Imerslund-Grasbeck syndrome type 1. Last evaluated: 2018-04-17. Review status: criteria provided, single submitter. Criteria: ACMG Guidelines, 2015. Collection method: clinical testing. Allele origin: paternal. Affected: yes.
Comment: This variant was determined to be of uncertain significance according to ACMG Guidelines, 2015 [PMID:25741868].

Illumina Laboratory Services, Illumina
Classification: Uncertain significance for Imerslund-Grasbeck syndrome type 1. Last evaluated: 2018-01-12. Review status: criteria provided, single submitter. Criteria: ICSL Variant Classification Criteria 13 December 2019. Collection method: clinical testing. Allele origin: germline.

PreventionGenetics, part of Exact Sciences
Classification: Likely benign for CUBN-related condition. Last evaluated: 2024-02-06. Review status: no assertion criteria provided. Collection method: clinical testing. Allele origin: germline. Not counted in ClinVar's aggregate classification.
Comment: This variant is classified as likely benign based on ACMG/AMP sequence variant interpretation guidelines (Richards et al. 2015 PMID: 25741868, with internal and published modifications).